The following is an entry in ClinVar:

ClinVar aggregate classification (germline): Uncertain significance (1 of 4 stars; one submission).

Conditions:
Odonto-onycho-dermal dysplasia. Identifiers: Orphanet 2721, MedGen C0796093, MONDO:0009773, OMIM 257980.
Tooth agenesis, selective, 4 (STHAG4). Also called: SUCCEDANEOUS TEETH, AGENESIS OF; TOOTH AGENESIS, SELECTIVE, 4, WITH OR WITHOUT ECTODERMAL DYSPLASIA; LATERAL INCISORS, ABSENCE OF; LATERAL INCISORS, PEGGED OR MISSING. Identifiers: Orphanet 99798, MedGen C1835492, MONDO:0007881, OMIM 150400. Disease mechanism: loss of function.

Submission:

Labcorp Genetics (formerly Invitae), Labcorp
Classification: Uncertain significance for Tooth agenesis, selective, 4; Odonto-onycho-dermal dysplasia. Last evaluated: 2020-08-17. Review status: criteria provided, single submitter. Criteria: Invitae Variant Classification Sherloc (09022015). Collection method: clinical testing. Allele origin: germline.
Comment: This variant is not present in population databases (ExAC no frequency). This variant disrupts the p.Cys362 amino acid residue in WNT10A. Other variant(s) that disrupt this residue have been determined to be pathogenic (PMID: 24902757, 2897600). This suggests that this residue is clinically significant, and that variants that disrupt this residue are likely to be disease-causing. Algorithms developed to predict the effect of missense changes on protein structure and function (SIFT, PolyPhen-2, Align-GVGD) all suggest that this variant is likely to be disruptive, but these predictions have not been confirmed by published functional studies and their clinical significance is uncertain. This variant has been observed in individual(s) with clinical features of ectodermal dysplasia (Invitae). ClinVar contains an entry for this variant (Variation ID: 642382). This sequence change replaces cysteine with phenylalanine at codon 362 of the WNT10A protein (p.Cys362Phe). The cysteine residue is highly conserved and there is a large physicochemical difference between cysteine and phenylalanine. In summary, the available evidence is currently insufficient to determine the role of this variant in disease. Therefore, it has been classified as a Variant of Uncertain Significance.

Literature cited by the submitters: PubMed 24902757; PubMed 2897600.

NM_025216.3(WNT10A):c.1085G>T (p.Cys362Phe)

Gene: WNT10A (Wnt family member 10A; plus strand). Cytogenetic location: 2q35.
Variant type: single nucleotide variant.
Coding change: c.1085G>T on transcript NM_025216.3 (MANE Select); coding-DNA position 1085, G replaced by T.
Protein change: p.Cys362Phe; replaces cysteine 362 with phenylalanine.
Molecular consequence: missense variant.
Genome position (GRCh38, 1-based): chr2:218,893,102, G>T. VCF-style: chr2-218893102-G-T. GRCh37 (hg19) VCF-style: chr2-219757824-G-T.
Other names: short protein forms C362F.
Identifiers: ClinVar variation 642382 (VCV000642382.9), dbSNP rs1575235098, ClinGen allele CA350591278.
Genomic context (GRCh38, chr2:218,893,102, plus strand): 5'-CTCCCGACTTCTGCGAGCGCGAGCCGCGCCTGGACTCGGCGGGCACCGTGGGCCGCCTGT[G>T]CAACAAGAGCAGCGCCGGCTCGGATGGCTGCGGCAGCATGTGCTGCGGCCGCGGCCACAA-3'
Protein context (NP_079492.2, residues 352-372): LDSAGTVGRL[Cys362Phe]NKSSAGSDGC